The following is an entry in ClinVar:

ClinVar aggregate classification (germline): Conflicting classifications of pathogenicity. Review status: criteria provided, conflicting classifications (1 of 4 stars). 7 submissions from 7 submitters: Uncertain significance (1); Benign (1); Likely benign (4). 1 of the submissions does not count toward it. Last evaluated 2026-07-01.

Conditions:
COL2A1-related disorder. Also called: COL2A1-related condition; COL2A1-related disorders.

Allele frequency attached by ClinVar (database versions not stated): TOPMed 0.00015.
gnomAD v4.1: 257 of 1,612,776 alleles (0.016%); highest among the groups gnomAD compares: South Asian, 0.019%; 3 homozygotes.

Submissions (7):

CeGaT Center for Human Genetics Tuebingen
Classification: Likely benign. Last evaluated: 2026-07-01. Review status: criteria provided, single submitter. Criteria: CeGaT Center For Human Genetics Tuebingen Variant Classification Criteria Version 2. Collection method: clinical testing. Allele origin: germline. Affected: yes. Observed: 3 variant alleles.
Comment: COL2A1: BP4, BP7

Labcorp Genetics (formerly Invitae), Labcorp
Classification: Likely benign. Last evaluated: 2026-01-25. Review status: criteria provided, single submitter. Criteria: Invitae Variant Classification Sherloc (09022015). Collection method: clinical testing. Allele origin: germline.

Laboratory of Genetics, Children's Clinical University Hospital Latvia
Classification: Benign. Last evaluated: 2025-02-16. Review status: criteria provided, single submitter. Criteria: ACMG Guidelines, 2015. Collection method: clinical testing. Allele origin: germline. Affected: yes.

Blueprint Genetics
Classification: Likely benign. Last evaluated: 2024-11-22. Review status: criteria provided, single submitter. Criteria: ACMG Guidelines, 2015. Collection method: clinical testing. Allele origin: germline.

GeneDx
Classification: Likely benign. Last evaluated: 2020-08-28. Review status: criteria provided, single submitter. Criteria: GeneDx Variant Classification Process June 2021. Collection method: clinical testing. Allele origin: germline. Affected: yes.

Eurofins Ntd Llc (ga)
Classification: Uncertain significance. Last evaluated: 2016-12-07. Review status: criteria provided, single submitter. Criteria: EGL Classification Definitions 2015. Collection method: clinical testing. Allele origin: germline. Observed: 1 variant allele, 1 heterozygote.

PreventionGenetics, part of Exact Sciences
Classification: Likely benign for COL2A1-related condition. Last evaluated: 2021-11-08. Review status: no assertion criteria provided. Collection method: clinical testing. Allele origin: germline. Not counted in ClinVar's aggregate classification.
Comment: This variant is classified as likely benign based on ACMG/AMP sequence variant interpretation guidelines (Richards et al. 2015 PMID: 25741868, with internal and published modifications).

NM_001844.5(COL2A1):c.1077C>T (p.Val359=)

Gene: COL2A1 (collagen type II alpha 1 chain; minus strand). Cytogenetic location: 12q13.11.
Variant type: single nucleotide variant.
Coding change: c.1077C>T on transcript NM_001844.5 (MANE Select); coding-DNA position 1077, C replaced by T.
Protein change: p.Val359=; no amino-acid change (valine 359 retained).
Molecular consequence: synonymous variant.
Genome position (GRCh38, 1-based): chr12:47,989,273, G>A on the plus strand (C>T on the coding strand, the complement: COL2A1 is on the minus strand). VCF-style: chr12-47989273-G-A. GRCh37 (hg19) VCF-style: chr12-48383056-G-A.
Other names: c.870C>T, p.Val290= (NM_033150.3).
Identifiers: ClinVar variation 498313 (VCV000498313.38), dbSNP rs202002349, ClinGen allele CA6535611.